The following is an entry in ClinVar:

ClinVar aggregate classification (germline): Pathogenic/Likely pathogenic. Review status: criteria provided, multiple submitters, no conflicts (2 of 4 stars). 2 submissions from 2 submitters: Pathogenic (1); Likely pathogenic (1). Last evaluated 2023-10-09.

Conditions:
Leber congenital amaurosis 5 (LCA5). Also called: Amaurosis congenita of Leber, type 5. Identifiers: Orphanet 65, MedGen C1858301, MONDO:0011473, OMIM 604537.

Submissions (2):

Baylor Genetics
Classification: Likely pathogenic for Leber congenital amaurosis 5. Last evaluated: 2023-10-09. Review status: criteria provided, single submitter. Criteria: ACMG Guidelines, 2015. Collection method: clinical testing. Allele origin: unknown.

Labcorp Genetics (formerly Invitae), Labcorp
Classification: Pathogenic. Last evaluated: 2020-05-10. Review status: criteria provided, single submitter. Criteria: Invitae Variant Classification Sherloc (09022015). Collection method: clinical testing. Allele origin: germline.
Comment: For these reasons, this variant has been classified as Pathogenic. This variant disrupts the C-terminus of the LCA5 protein. Other variant(s) that disrupt this region (p.Lys586*) have been determined to be pathogenic (PMID: 23946133, 27624628). This suggests that variants that disrupt this region of the protein are likely to be causative of disease. This variant has not been reported in the literature in individuals with LCA5-related conditions. This variant is not present in population databases (ExAC no frequency). This sequence change results in a premature translational stop signal in the LCA5 gene (p.Glu460*). While this is not anticipated to result in nonsense mediated decay, it is expected to disrupt the last 238 amino acids of the LCA5 protein.

Literature cited by the submitters: PubMed 23946133 (cited by Labcorp Genetics (formerly Invitae), Labcorp); PubMed 27624628 (cited by Labcorp Genetics (formerly Invitae), Labcorp).

NM_001122769.3(LCA5):c.1378G>T (p.Glu460Ter)

Gene: LCA5 (lebercilin LCA5; minus strand). Cytogenetic location: 6q14.1.
Variant type: single nucleotide variant.
Coding change: c.1378G>T on transcript NM_001122769.3 (MANE Select); coding-DNA position 1378, G replaced by T.
Protein change: p.Glu460Ter; replaces glutamic acid 460 with a stop codon.
Molecular consequence: nonsense.
Genome position (GRCh38, 1-based): chr6:79,487,720, C>A on the plus strand (G>T on the coding strand, the complement: LCA5 is on the minus strand). VCF-style: chr6-79487720-C-A. GRCh37 (hg19) VCF-style: chr6-80197437-C-A.
Other names: c.1378G>T, p.Glu460Ter (NM_181714.4); short protein forms E460*.
Identifiers: ClinVar variation 1073156 (VCV001073156.10), dbSNP rs2127665995, ClinGen allele CA364641029.